The following is an entry in ClinVar:

ClinVar aggregate classification (germline): Uncertain significance (1 of 4 stars; one submission).

Allele frequency attached by ClinVar (database versions not stated): gnomAD 0.00001.

Submission:

Labcorp Genetics (formerly Invitae), Labcorp
Classification: Uncertain significance. Last evaluated: 2025-06-20. Review status: criteria provided, single submitter. Criteria: Invitae Variant Classification Sherloc (09022015). Collection method: clinical testing. Allele origin: germline.
Comment: This sequence change replaces leucine, which is neutral and non-polar, with phenylalanine, which is neutral and non-polar, at codon 10 of the GOT2 protein (p.Leu10Phe). This variant is not present in population databases (gnomAD no frequency). This variant has not been reported in the literature in individuals affected with GOT2-related conditions. ClinVar contains an entry for this variant (Variation ID: 2997591). An algorithm developed to predict the effect of missense changes on protein structure and function (PolyPhen-2) suggests that this variant is likely to be disruptive. In summary, the available evidence is currently insufficient to determine the role of this variant in disease. Therefore, it has been classified as a Variant of Uncertain Significance.

NM_002080.4(GOT2):c.28C>T (p.Leu10Phe)

Gene: GOT2 (glutamic-oxaloacetic transaminase 2; minus strand). Cytogenetic location: 16q21.
Variant type: single nucleotide variant.
Coding change: c.28C>T on transcript NM_002080.4 (MANE Select); coding-DNA position 28, C replaced by T.
Protein change: p.Leu10Phe; replaces leucine 10 with phenylalanine.
Molecular consequence: missense variant.
Genome position (GRCh38, 1-based): chr16:58,734,201, G>A on the plus strand (C>T on the coding strand, the complement: GOT2 is on the minus strand). VCF-style: chr16-58734201-G-A. GRCh37 (hg19) VCF-style: chr16-58768105-G-A.
Other names: c.28C>T, p.Leu10Phe (NM_001286220.2); short protein forms L10F.
Identifiers: ClinVar variation 2997591 (VCV002997591.3), dbSNP rs2044859755, ClinGen allele CA396169264.
Genomic context (GRCh38, chr16:58,734,201, plus strand): 5'-TGGCTCTGGCAGAGGCCGCGGCGGCGAGGCCCGGGTGGAAGGCGGCGGCGATCCCGGGGA[G>A]GACGCGGCCGGAGTGCAGCAGGGCCATGGTGGACCGTAGGAGGGCAGTGGGCAGCCGCAG-3'
Protein context (NP_002071.2, residues 1-20): MALLHSGRV[Leu10Phe]PGIAAAFHPG